The following is an entry in ClinVar:

NM_006180.6(NTRK2):c.213-9T>C

Genes: NTRK2 (neurotrophic receptor tyrosine kinase 2; plus strand), LOC130001952 (ATAC-STARR-seq lymphoblastoid active region 28508; plus strand). Cytogenetic location: 9q21.33.
Variant type: single nucleotide variant.
Coding change: c.213-9T>C on transcript NM_006180.6 (MANE Select); 9 bases into the intron before coding-DNA position 213, T replaced by C.
Molecular consequence: intron variant.
Genome position (GRCh38, 1-based): chr9:84,702,150, T>C. VCF-style: chr9-84702150-T-C. GRCh37 (hg19) VCF-style: chr9-87317065-T-C.
Other names: c.213-9T>C (NM_001369532.1, NM_001369533.1, NM_001018066.3 and 19 more transcripts); c.-256-9T>C (NM_001369536.1, NM_001369535.1, NM_001369550.1 and 1 more transcripts).
Identifiers: ClinVar variation 1549912 (VCV001549912.9), dbSNP rs1398295147, ClinGen allele CA588990203.
Genomic context (GRCh38, chr9:84,702,150, plus strand): 5'-ATGGGAGTTCTTCATGGTGCTGCTGCCTACATTCTGAGTCACTGCGATTCACTCTCTGCT[T>C]TGTTACAGTTTCATCGCAAACCAGAAAAGGTTAGAAATCATCAACGAAGATGATGTTGAA-3'

ClinVar aggregate classification (germline): Likely benign. Review status: criteria provided, multiple submitters, no conflicts (2 of 4 stars). 2 submissions from 2 submitters: Likely benign (2). Last evaluated 2025-06-23.

Conditions:
NTRK2-related disorder. Also called: NTRK2-related condition.

Allele frequency attached by ClinVar (database versions not stated): TOPMed 0.00001; gnomAD 0.00002; gnomAD exomes 0.00001.
gnomAD v4.1: 3 of 1,613,046 alleles (0.00019%); highest among the groups gnomAD compares: African/African-American, 0.004%; no homozygotes.

Submissions (2):

PreventionGenetics, part of Exact Sciences
Classification: Likely benign for NTRK2-related condition. Last evaluated: 2025-06-23. Review status: criteria provided, single submitter. Criteria: ACMG Guidelines, 2015. Collection method: clinical testing. Allele origin: germline.
Comment: This variant is classified as likely benign based on ACMG/AMP sequence variant interpretation guidelines (Richards et al. 2015 PMID: 25741868, with internal and published modifications).

Labcorp Genetics (formerly Invitae), Labcorp
Classification: Likely benign. Last evaluated: 2024-12-22. Review status: criteria provided, single submitter. Criteria: Invitae Variant Classification Sherloc (09022015). Collection method: clinical testing. Allele origin: germline.